The following is an entry in ClinVar:

ClinVar aggregate classification (germline): Uncertain significance (1 of 4 stars; one submission).

Allele frequency attached by ClinVar (database versions not stated): ExAC 0.00002; gnomAD 0.00002; gnomAD exomes 0.00001; TOPMed 0.00001.

Submission:

Labcorp Genetics (formerly Invitae), Labcorp
Classification: Uncertain significance. Last evaluated: 2021-01-18. Review status: criteria provided, single submitter. Criteria: Invitae Variant Classification Sherloc (09022015). Collection method: clinical testing. Allele origin: germline.
Comment: This sequence change replaces arginine with glutamine at codon 46 of the PEX11B protein (p.Arg46Gln). The arginine residue is moderately conserved and there is a small physicochemical difference between arginine and glutamine. This variant is present in population databases (rs782417759, ExAC 0.003%). This variant has not been reported in the literature in individuals with PEX11B-related conditions. Algorithms developed to predict the effect of missense changes on protein structure and function output the following: SIFT: "Tolerated"; PolyPhen-2: "Benign"; Align-GVGD: "Class C0". The glutamine amino acid residue is found in multiple mammalian species, suggesting that this missense change does not adversely affect protein function. These predictions have not been confirmed by published functional studies and their clinical significance is uncertain. In summary, the available evidence is currently insufficient to determine the role of this variant in disease. Therefore, it has been classified as a Variant of Uncertain Significance.

NM_003846.3(PEX11B):c.137G>A (p.Arg46Gln)

Gene: PEX11B (peroxisomal biogenesis factor 11 beta; minus strand). Cytogenetic location: 1q21.1.
Variant type: single nucleotide variant.
Coding change: c.137G>A on transcript NM_003846.3 (MANE Select); coding-DNA position 137, G replaced by A.
Protein change: p.Arg46Gln; replaces arginine 46 with glutamine.
Molecular consequence: missense variant. On other transcripts: non-coding transcript variant (3).
Genome position (GRCh38, 1-based): chr1:145,917,736, C>T on the plus strand (G>A on the coding strand, the complement: PEX11B is on the minus strand). VCF-style: chr1-145917736-C-T. GRCh37 (hg19) VCF-style: chr1-145517353-G-A.
Other names: c.95G>A, p.Arg32Gln (NM_001184795.1); short protein forms R46Q, R32Q.
Identifiers: ClinVar variation 1404243 (VCV001404243.7), dbSNP rs782417759, ClinGen allele CA1055514.